The following is an entry in ClinVar:

NM_001376.5(DYNC1H1):c.9466C>T (p.Gln3156Ter)

Genes: DYNC1H1 (dynein cytoplasmic 1 heavy chain 1; plus strand), LOC126862060 (BRD4-independent group 4 enhancer GRCh37_chr14:102493659-102494858; plus strand). Cytogenetic location: 14q32.31.
Variant type: single nucleotide variant.
Coding change: c.9466C>T on transcript NM_001376.5 (MANE Select); coding-DNA position 9466, C replaced by T.
Protein change: p.Gln3156Ter; replaces glutamine 3156 with a stop codon.
Molecular consequence: nonsense.
Genome position (GRCh38, 1-based): chr14:102,028,139, C>T. VCF-style: chr14-102028139-C-T. GRCh37 (hg19) VCF-style: chr14-102494476-C-T.
Other names: short protein forms Q3156*.
Identifiers: ClinVar variation 2743787 (VCV002743787.3), dbSNP rs2503806504, ClinGen allele CA391014814.

ClinVar aggregate classification (germline): Pathogenic (1 of 4 stars; one submission).

Conditions:
Charcot-Marie-Tooth disease axonal type 2O. Also called: CHARCOT-MARIE-TOOTH NEUROPATHY, AXONAL, TYPE 2O; CHARCOT-MARIE-TOOTH DISEASE, AXONAL, AUTOSOMAL DOMINANT, TYPE 2O; Charcot-Marie-Tooth Neuropathy Type 2O; Charcot-Marie-Tooth disease, axonal, type 20. Identifiers: Orphanet 284232, MedGen C3280220, MONDO:0013644, OMIM 614228.

Submission:

Labcorp Genetics (formerly Invitae), Labcorp
Classification: Pathogenic for Charcot-Marie-Tooth disease axonal type 2O. Last evaluated: 2024-05-29. Review status: criteria provided, single submitter. Criteria: Invitae Variant Classification Sherloc (09022015). Collection method: clinical testing. Allele origin: germline.
Comment: This sequence change creates a premature translational stop signal (p.Gln3156*) in the DYNC1H1 gene. It is expected to result in an absent or disrupted protein product. However, the current clinical and genetic evidence is not sufficient to establish whether loss-of-function variants in DYNC1H1 cause disease. This variant is not present in population databases (gnomAD no frequency). This premature translational stop signal has been observed in individual(s) with clinical features of autosomal dominant intellectual disability syndrome (Invitae). In at least one individual the variant was observed to be de novo. For these reasons, this variant has been classified as Pathogenic.